The following is an entry in ClinVar:

ClinVar aggregate classification (germline): Uncertain significance (1 of 4 stars; one submission).

Conditions:
RASopathy. Also called: rasopathies; Noonan spectrum disorder. Identifiers: Orphanet 536391, MedGen C5555857, MONDO:0021060.

Submission:

Labcorp Genetics (formerly Invitae), Labcorp
Classification: Uncertain significance for RASopathy. Last evaluated: 2023-03-29. Review status: criteria provided, single submitter. Criteria: Invitae Variant Classification Sherloc (09022015). Collection method: clinical testing. Allele origin: germline.
Comment: This variant is not present in population databases (gnomAD no frequency). In summary, the available evidence is currently insufficient to determine the role of this variant in disease. Therefore, it has been classified as a Variant of Uncertain Significance. Advanced modeling of protein sequence and biophysical properties (such as structural, functional, and spatial information, amino acid conservation, physicochemical variation, residue mobility, and thermodynamic stability) performed at Invitae indicates that this missense variant is expected to disrupt SOS1 protein function. This variant has not been reported in the literature in individuals affected with SOS1-related conditions. This sequence change replaces threonine, which is neutral and polar, with proline, which is neutral and non-polar, at codon 935 of the SOS1 protein (p.Thr935Pro).

NM_005633.4(SOS1):c.2803A>C (p.Thr935Pro)

Gene: SOS1 (SOS Ras/Rac guanine nucleotide exchange factor 1; minus strand). Cytogenetic location: 2p22.1.
Variant type: single nucleotide variant.
Coding change: c.2803A>C on transcript NM_005633.4 (MANE Select); coding-DNA position 2803, A replaced by C.
Protein change: p.Thr935Pro; replaces threonine 935 with proline.
Molecular consequence: missense variant.
Genome position (GRCh38, 1-based): chr2:38,997,414, T>G on the plus strand (A>C on the coding strand, the complement: SOS1 is on the minus strand). VCF-style: chr2-38997414-T-G. GRCh37 (hg19) VCF-style: chr2-39224555-T-G.
Other names: c.2782A>C, p.Thr928Pro (NM_001382394.1); c.2803A>C, p.Thr935Pro (NM_001382395.1); short protein forms T935P, T928P.
Identifiers: ClinVar variation 2828656 (VCV002828656.3), dbSNP rs2528926610, ClinGen allele CA346362804.